The following is an entry in ClinVar:

NM_006204.4(PDE6C):c.311G>A (p.Arg104Gln)

Gene: PDE6C (phosphodiesterase 6C; plus strand). Cytogenetic location: 10q23.33.
Variant type: single nucleotide variant.
Coding change: c.311G>A on transcript NM_006204.4 (MANE Select); coding-DNA position 311, G replaced by A.
Protein change: p.Arg104Gln; replaces arginine 104 with glutamine.
Molecular consequence: missense variant.
Genome position (GRCh38, 1-based): chr10:93,613,036, G>A. VCF-style: chr10-93613036-G-A. GRCh37 (hg19) VCF-style: chr10-95372793-G-A.
Other names: short protein forms R104Q.
Identifiers: ClinVar variation 964847 (VCV000964847.11), dbSNP rs548437074, ClinGen allele CA5609807.

ClinVar aggregate classification (germline): Conflicting classifications of pathogenicity. Review status: criteria provided, conflicting classifications (1 of 4 stars). 2 submissions from 2 submitters: Pathogenic (1); Uncertain significance (1). Last evaluated 2024-12-02.

Allele frequency attached by ClinVar (database versions not stated): ExAC 0.00001; gnomAD 0.00001; gnomAD exomes 0.00001 and 0.00002; TOPMed 0.00003.
gnomAD v4.1: 16 of 1,614,054 alleles (0.00099%); highest among the groups gnomAD compares: Admixed American, 0.0033%; 1 homozygote.

Submissions (2):

Labcorp Genetics (formerly Invitae), Labcorp
Classification: Pathogenic. Last evaluated: 2024-12-02. Review status: criteria provided, single submitter. Criteria: Invitae Variant Classification Sherloc (09022015). Collection method: clinical testing. Allele origin: germline.
Comment: This sequence change replaces arginine, which is basic and polar, with glutamine, which is neutral and polar, at codon 104 of the PDE6C protein (p.Arg104Gln). This variant is present in population databases (rs548437074, gnomAD 0.006%). This missense change has been observed in individuals with PDE6C-related conditions (PMID: 31826238, 33749171, 35119454; internal data). ClinVar contains an entry for this variant (Variation ID: 964847). Invitae Evidence Modeling of protein sequence and biophysical properties (such as structural, functional, and spatial information, amino acid conservation, physicochemical variation, residue mobility, and thermodynamic stability) indicates that this missense variant is expected to disrupt PDE6C protein function with a positive predictive value of 95%. This variant disrupts the p.Arg104 amino acid residue in PDE6C. Other variant(s) that disrupt this residue have been determined to be pathogenic (PMID: 21127010). This suggests that this residue is clinically significant, and that variants that disrupt this residue are likely to be disease-causing. For these reasons, this variant has been classified as Pathogenic.

Blueprint Genetics
Classification: Uncertain significance. Last evaluated: 2020-08-24. Review status: criteria provided, single submitter. Criteria: ACMG Guidelines, 2015. Collection method: clinical testing. Allele origin: germline.

Literature cited by the submitters: PubMed 31826238 (cited by Labcorp Genetics (formerly Invitae), Labcorp); PubMed 33749171 (cited by Labcorp Genetics (formerly Invitae), Labcorp); PubMed 35119454 (cited by Labcorp Genetics (formerly Invitae), Labcorp); PubMed 21127010 (cited by Labcorp Genetics (formerly Invitae), Labcorp).